The following is an entry in ClinVar:

NM_001110556.2(FLNA):c.6269T>C (p.Val2090Ala)

Gene: FLNA (filamin A; minus strand). Cytogenetic location: Xq28.
Variant type: single nucleotide variant.
Coding change: c.6269T>C on transcript NM_001110556.2 (MANE Select); coding-DNA position 6269, T replaced by C.
Protein change: p.Val2090Ala; replaces valine 2090 with alanine.
Molecular consequence: missense variant.
Genome position (GRCh38, 1-based): chrX:154,352,882, A>G on the plus strand (T>C on the coding strand, the complement: FLNA is on the minus strand). VCF-style: chrX-154352882-A-G. GRCh37 (hg19) VCF-style: chrX-153581250-A-G.
Other names: c.6245T>C, p.Val2082Ala (NM_001456.4); short protein forms V2082A, V2090A.
Identifiers: ClinVar variation 570169 (VCV000570169.10), dbSNP rs1569551477, ClinGen allele CA415194302.

ClinVar aggregate classification (germline): Uncertain significance (1 of 4 stars; one submission).

Conditions:
Heterotopia, periventricular, X-linked dominant (PVNH1). Also called: PERIVENTRICULAR NODULAR HETEROTOPIA 4; HETEROTOPIA, PERIVENTRICULAR, 1; PERIVENTRICULAR NODULAR HETEROTOPIA 1; X-linked periventricular heterotopia. Identifiers: Orphanet 2149, Orphanet 82004, MedGen C1848213, MONDO:0010233, OMIM 300049.
Melnick-Needles syndrome (MNS). Also called: Melnick-Needles Syndrome (FLNA-MNS); MELNICK-NEEDLES OSTEODYSPLASTY; OSTEODYSPLASTY OF MELNICK AND NEEDLES. Identifiers: Orphanet 2484, MedGen C0025237, MONDO:0010650, OMIM 309350.
Frontometaphyseal dysplasia (FMD1). Identifiers: Orphanet 1826, MedGen C0265293, MONDO:0015942.
Oto-palato-digital syndrome, type II (OPD2). Also called: Otopalatodigital Syndrome Type 2 (FLNA-OPD2); Otopalatodigital Syndrome, Type II; FACIOPALATOOSSEOUS SYNDROME; OPD II SYNDROME. Identifiers: Orphanet 669, Orphanet 90652, MedGen C1844696, MONDO:0010571, OMIM 304120.

Submission:

Labcorp Genetics (formerly Invitae), Labcorp
Classification: Uncertain significance for Oto-palato-digital syndrome, type II; Heterotopia, periventricular, X-linked dominant; Frontometaphyseal dysplasia; Melnick-Needles syndrome. Last evaluated: 2018-04-10. Review status: criteria provided, single submitter. Criteria: Invitae Variant Classification Sherloc (09022015). Collection method: clinical testing. Allele origin: germline.
Comment: In summary, the available evidence is currently insufficient to determine the role of this variant in disease. Therefore, it has been classified as a Variant of Uncertain Significance. Algorithms developed to predict the effect of missense changes on protein structure and function do not agree on the potential impact of this missense change (SIFT: "Deleterious"; PolyPhen-2: "Benign"; Align-GVGD: "Class C55"). This variant has not been reported in the literature in individuals with FLNA-related disease. This variant is not present in population databases (ExAC no frequency). This sequence change replaces valine with alanine at codon 2082 of the FLNA protein (p.Val2082Ala). The valine residue is highly conserved and there is a small physicochemical difference between valine and alanine.